The following is an entry in ClinVar:

NM_001376.5(DYNC1H1):c.2366A>T (p.Glu789Val)

Gene: DYNC1H1 (dynein cytoplasmic 1 heavy chain 1; plus strand). Cytogenetic location: 14q32.31.
Variant type: single nucleotide variant.
Coding change: c.2366A>T on transcript NM_001376.5 (MANE Select); coding-DNA position 2366, A replaced by T.
Protein change: p.Glu789Val; replaces glutamic acid 789 with valine.
Molecular consequence: missense variant.
Genome position (GRCh38, 1-based): chr14:101,986,591, A>T. VCF-style: chr14-101986591-A-T. GRCh37 (hg19) VCF-style: chr14-102452928-A-T.
Other names: short protein forms E789V.
Identifiers: ClinVar variation 2037736 (VCV002037736.4), dbSNP rs2503696148, ClinGen allele CA391023234.
Genomic context (GRCh38, chr14:101,986,591, plus strand): 5'-ATCAAGCAAACCAGCTTTACCCGTTTGCCATCTCACTGATCGAGAGCGTTCGTACCTATG[A>T]ACGGACCTGCGAGAAGGTGGAGGAGCGGAACACCATTTCCCTTTTGGTGGCTGGCTTGAA-3'
Protein context (NP_001367.2, residues 779-799): ISLIESVRTY[Glu789Val]RTCEKVEERN

ClinVar aggregate classification (germline): Uncertain significance (1 of 4 stars; one submission).

Conditions:
Charcot-Marie-Tooth disease axonal type 2O. Also called: Charcot-Marie-Tooth Neuropathy Type 2O; Charcot-Marie-Tooth disease, axonal, type 20; CHARCOT-MARIE-TOOTH NEUROPATHY, AXONAL, TYPE 2O; CHARCOT-MARIE-TOOTH DISEASE, AXONAL, AUTOSOMAL DOMINANT, TYPE 2O. Identifiers: Orphanet 284232, MedGen C3280220, MONDO:0013644, OMIM 614228.

Submission:

Labcorp Genetics (formerly Invitae), Labcorp
Classification: Uncertain significance for Charcot-Marie-Tooth disease axonal type 2O. Last evaluated: 2022-09-01. Review status: criteria provided, single submitter. Criteria: Invitae Variant Classification Sherloc (09022015). Collection method: clinical testing. Allele origin: germline.
Comment: In summary, the available evidence is currently insufficient to determine the role of this variant in disease. Therefore, it has been classified as a Variant of Uncertain Significance. Algorithms developed to predict the effect of sequence changes on RNA splicing suggest that this variant may create or strengthen a splice site. Algorithms developed to predict the effect of missense changes on protein structure and function are either unavailable or do not agree on the potential impact of this missense change (SIFT: "Deleterious"; PolyPhen-2: "Benign"; Align-GVGD: "Class C0"). This variant has not been reported in the literature in individuals affected with DYNC1H1-related conditions. This variant is not present in population databases (gnomAD no frequency). This sequence change replaces glutamic acid, which is acidic and polar, with valine, which is neutral and non-polar, at codon 789 of the DYNC1H1 protein (p.Glu789Val).